The following is an entry in ClinVar:

NM_152564.5(VPS13B):c.2987A>C (p.Asp996Ala)

Gene: VPS13B (vacuolar protein sorting 13 homolog B; plus strand). Cytogenetic location: 8q22.2.
Variant type: single nucleotide variant.
Coding change: c.2987A>C on transcript NM_152564.5 (MANE Select); coding-DNA position 2987, A replaced by C.
Protein change: p.Asp996Ala; replaces aspartic acid 996 with alanine.
Molecular consequence: missense variant.
Genome position (GRCh38, 1-based): chr8:99,391,609, A>C. VCF-style: chr8-99391609-A-C. GRCh37 (hg19) VCF-style: chr8-100403837-A-C.
Other names: c.2987A>C, p.Asp996Ala (NM_017890.5); short protein forms D996A.
Identifiers: ClinVar variation 3345789 (VCV003345789.1).

ClinVar aggregate classification (germline): Uncertain significance (0 of 4 stars; one submission).

Conditions:
VPS13B-related disorder. Also called: VPS13B-related condition.

gnomAD v4.1: 3 of 1,614,024 alleles (0.00019%); highest among the groups gnomAD compares: African/African-American, 0.004%; no homozygotes.

Submission:

PreventionGenetics, part of Exact Sciences
Classification: Uncertain significance for VPS13B-related condition. Last evaluated: 2024-07-01. Review status: no assertion criteria provided. Collection method: clinical testing. Allele origin: germline.
Comment: The VPS13B c.2987A>C variant is predicted to result in the amino acid substitution p.Asp996Ala. To our knowledge, this variant has not been reported in the literature. This variant is reported in 0.0080% of alleles in individuals of African descent in gnomAD. At this time, the clinical significance of this variant is uncertain due to the absence of conclusive functional and genetic evidence.